The following is an entry in ClinVar:

NM_002742.3(PRKD1):c.1754C>T (p.Pro585Leu)

Gene: PRKD1 (protein kinase D1; minus strand). Cytogenetic location: 14q12.
Variant type: single nucleotide variant.
Coding change: c.1754C>T on transcript NM_002742.3 (MANE Select); coding-DNA position 1754, C replaced by T.
Protein change: p.Pro585Leu; replaces proline 585 with leucine.
Molecular consequence: missense variant.
Genome position (GRCh38, 1-based): chr14:29,626,528, G>A on the plus strand (C>T on the coding strand, the complement: PRKD1 is on the minus strand). VCF-style: chr14-29626528-G-A. GRCh37 (hg19) VCF-style: chr14-30095734-G-A.
Other names: c.1778C>T, p.Pro593Leu (NM_001330069.2); c.1490C>T, p.Pro497Leu (NM_001348390.1); short protein forms P497L, P585L, P593L.
Identifiers: ClinVar variation 1804122 (VCV001804122.1), dbSNP rs1419164715, ClinGen allele CA389334049.

ClinVar aggregate classification (germline): Benign (1 of 4 stars; one submission).

Conditions:
Congenital heart defects and ectodermal dysplasia (CHDED). Identifiers: MedGen C4479250, MONDO:0044303, OMIM 617364.

Allele frequency attached by ClinVar (database versions not stated): gnomAD exomes below 0.00001; gnomAD 0.00001.
gnomAD v4.1: 2 of 1,611,894 alleles (0.00012%); highest among the groups gnomAD compares: Middle Eastern, 0.033%; no homozygotes.

Submission:

Institute of Human Genetics, University of Leipzig Medical Center
Classification: Benign for Congenital heart defects and ectodermal dysplasia. Last evaluated: 2022-11-11. Review status: criteria provided, single submitter. Criteria: ACMG Guidelines, 2015. Collection method: clinical testing. Allele origin: de novo. Affected: yes.
Comment: Criteria applied: PS2_MOD, PM1_SUP, PP3, BS1, BS2